The following is an entry in ClinVar:

ClinVar aggregate classification (germline): Conflicting classifications of pathogenicity. Review status: criteria provided, conflicting classifications (1 of 4 stars). 6 submissions from 6 submitters: Uncertain significance (1); Likely benign (4). 1 of the submissions does not count toward it. Last evaluated 2026-08-01.

Conditions:
Glycine encephalopathy. Also called: Nonketotic hyperglycinemia; Non-ketotic hyperglycinemia. Identifiers: Orphanet 407, MedGen C0751748, MONDO:0011612, HP:0008288.

Allele frequency attached by ClinVar (database versions not stated): ExAC 0.00161; TOPMed 0.00175; gnomAD exomes 0.00185 and 0.00294; gnomAD 0.00213 and 0.00214; ESP Exome Variant Server 0.00269.
gnomAD v4.1: 4,564 of 1,613,012 alleles (0.28%); highest among the groups gnomAD compares: Non-Finnish European, 0.35%; 17 homozygotes.

Submissions (6):

CeGaT Center for Human Genetics Tuebingen
Classification: Likely benign. Last evaluated: 2026-08-01. Review status: criteria provided, single submitter. Criteria: CeGaT Center For Human Genetics Tuebingen Variant Classification Criteria Version 2. Collection method: clinical testing. Allele origin: germline. Affected: yes. Observed: 23 variant alleles.
Comment: GLDC: BP4, BP7, BS2

Labcorp Genetics (formerly Invitae), Labcorp
Classification: Likely benign for Glycine encephalopathy. Last evaluated: 2026-02-03. Review status: criteria provided, single submitter. Criteria: Invitae Variant Classification Sherloc (09022015). Collection method: clinical testing. Allele origin: germline.

Blueprint Genetics
Classification: Likely benign. Last evaluated: 2024-11-13. Review status: criteria provided, single submitter. Criteria: ACMG Guidelines, 2015. Collection method: clinical testing. Allele origin: germline.

GeneDx
Classification: Likely benign. Last evaluated: 2020-12-09. Review status: criteria provided, single submitter. Criteria: GeneDx Variant Classification Process June 2021. Collection method: clinical testing. Allele origin: germline. Affected: yes.

Illumina Laboratory Services, Illumina
Classification: Uncertain significance for Glycine encephalopathy 1. Last evaluated: 2018-01-13. Review status: criteria provided, single submitter. Criteria: ICSL Variant Classification Criteria 13 December 2019. Collection method: clinical testing. Allele origin: germline.

Natera, Inc.
Classification: Benign for Non-ketotic hyperglycinemia. Last evaluated: 2019-12-09. Review status: no assertion criteria provided. Collection method: clinical testing. Allele origin: germline. Not counted in ClinVar's aggregate classification.

NM_000170.3(GLDC):c.2487C>T (p.Ala829=)

Gene: GLDC (glycine decarboxylase; minus strand). Cytogenetic location: 9p24.1.
Variant type: single nucleotide variant.
Coding change: c.2487C>T on transcript NM_000170.3 (MANE Select); coding-DNA position 2487, C replaced by T.
Protein change: p.Ala829=; no amino-acid change (alanine 829 retained).
Molecular consequence: synonymous variant.
Genome position (GRCh38, 1-based): chr9:6,550,885, G>A on the plus strand (C>T on the coding strand, the complement: GLDC is on the minus strand). VCF-style: chr9-6550885-G-A. GRCh37 (hg19) VCF-style: chr9-6550885-G-A.
Identifiers: ClinVar variation 462873 (VCV000462873.57), dbSNP rs141806715, ClinGen allele CA4980196.